The following is an entry in ClinVar:

NM_000273.3(GPR143):c.348C>G (p.Cys116Trp)

Gene: GPR143 (G protein-coupled receptor 143; minus strand). Cytogenetic location: Xp22.2.
Variant type: single nucleotide variant.
Coding change: c.348C>G on transcript NM_000273.3 (MANE Select); coding-DNA position 348, C replaced by G.
Protein change: p.Cys116Trp; replaces cysteine 116 with tryptophan.
Molecular consequence: missense variant.
Genome position (GRCh38, 1-based): chrX:9,760,729, G>C on the plus strand (C>G on the coding strand, the complement: GPR143 is on the minus strand). VCF-style: chrX-9760729-G-C. GRCh37 (hg19) VCF-style: chrX-9728769-G-C.
Other names: short protein forms C116W.
Identifiers: ClinVar variation 1303187 (VCV001303187.2), dbSNP rs1191147473, ClinGen allele CA411999050.
Genomic context (GRCh38, chrX:9,760,729, plus strand): 5'-GAGGAGCATAAGTAGGGAGGAGAGGGCATGCAGAGGGGGTGGACTCACCGCACTCCCCAC[G>C]CAGAAAGCAGCAGGCCAAATTTCCGTGTGGTTCATATCCGAGACGCTGTCAACAAAATTT-3'
Protein context (NP_000264.2, residues 106-126): NHTEIWPAAF[Cys116Trp]VGSAMWIQLL

ClinVar aggregate classification (germline): Uncertain significance (1 of 4 stars; one submission).

Submission:

GeneDx
Classification: Uncertain significance. Last evaluated: 2020-12-01. Review status: criteria provided, single submitter. Criteria: GeneDx Variant Classification Process June 2021. Collection method: clinical testing. Allele origin: germline. Affected: yes.
Comment: Not observed in large population cohorts (Lek et al., 2016); In silico analysis supports that this missense variant has a deleterious effect on protein structure/function; This variant is associated with the following publications: (PMID: 16646960)